The following is an entry in ClinVar:

NM_020771.4(HACE1):c.1750G>A (p.Val584Ile)

Gene: HACE1 (HECT domain and ankyrin repeat containing E3 ubiquitin protein ligase 1; minus strand). Cytogenetic location: 6q16.3.
Variant type: single nucleotide variant.
Coding change: c.1750G>A on transcript NM_020771.4 (MANE Select); coding-DNA position 1750, G replaced by A.
Protein change: p.Val584Ile; replaces valine 584 with isoleucine.
Molecular consequence: missense variant. On other transcripts: non-coding transcript variant (7).
Genome position (GRCh38, 1-based): chr6:104,777,039, C>T on the plus strand (G>A on the coding strand, the complement: HACE1 is on the minus strand). VCF-style: chr6-104777039-C-T. GRCh37 (hg19) VCF-style: chr6-105224914-C-T.
Other names: c.1618G>A, p.Val540Ile (NM_001321080.2); c.1648G>A, p.Val550Ile (NM_001321083.2); c.1246G>A, p.Val416Ile (NM_001321084.2, NM_001350557.2, NM_001350558.2); c.1516G>A, p.Val506Ile (NM_001350554.2); c.1459G>A, p.Val487Ile (NM_001350555.2); c.1264G>A, p.Val422Ile (NM_001350556.2); c.1168G>A, p.Val390Ile (NM_001350559.2); c.967G>A, p.Val323Ile (NM_001350560.2); short protein forms V506I, V323I, V390I, V416I, V487I, V550I, V584I, V422I.
Identifiers: ClinVar variation 1934017 (VCV001934017.5), dbSNP rs1781289895, ClinGen allele CA365134614.

ClinVar aggregate classification (germline): Uncertain significance (1 of 4 stars; one submission).

Allele frequency attached by ClinVar (database versions not stated): TOPMed below 0.00001.
gnomAD v4.1: 6 of 1,610,492 alleles (0.00037%); highest among the groups gnomAD compares: Non-Finnish European, 0.00051%; no homozygotes.

Submission:

Labcorp Genetics (formerly Invitae), Labcorp
Classification: Uncertain significance. Last evaluated: 2022-09-01. Review status: criteria provided, single submitter. Criteria: Invitae Variant Classification Sherloc (09022015). Collection method: clinical testing. Allele origin: germline.
Comment: This sequence change replaces valine, which is neutral and non-polar, with isoleucine, which is neutral and non-polar, at codon 584 of the HACE1 protein (p.Val584Ile). This variant is not present in population databases (gnomAD no frequency). This variant has not been reported in the literature in individuals affected with HACE1-related conditions. Algorithms developed to predict the effect of missense changes on protein structure and function are either unavailable or do not agree on the potential impact of this missense change (SIFT: "Deleterious"; PolyPhen-2: "Benign"; Align-GVGD: "Class C25"). In summary, the available evidence is currently insufficient to determine the role of this variant in disease. Therefore, it has been classified as a Variant of Uncertain Significance.